The following is an entry in ClinVar:

ClinVar aggregate classification (germline): Uncertain significance (1 of 4 stars; one submission).

Conditions:
Intellectual developmental disorder with seizures and language delay (IDDSELD). Identifiers: MedGen C5436574, MONDO:0033559, OMIM 619000.

gnomAD v4.1: 1 of 1,549,590 alleles (0.000065%); highest among the groups gnomAD compares: Non-Finnish European, 0.000087%; no homozygotes.

Submission:

Juno Genomics, Hangzhou Juno Genomics, Inc
Classification: Uncertain significance for Intellectual developmental disorder with seizures and language delay. Review status: criteria provided, single submitter. Criteria: ACMG Guidelines, 2015. Collection method: clinical testing. Allele origin: germline.
Comment: Absent from controls (or at extremely low frequency if recessive) in Genome Aggregation Database.;Missense variant in a gene that has a low rate of benign missense variation.

NM_001353345.2(SETD1B):c.1714A>G (p.Ile572Val)

Gene: SETD1B (SET domain containing 1B, histone lysine methyltransferase; plus strand). Cytogenetic location: 12q24.31.
Variant type: single nucleotide variant.
Coding change: c.1714A>G on transcript NM_001353345.2 (MANE Select); coding-DNA position 1714, A replaced by G.
Protein change: p.Ile572Val; replaces isoleucine 572 with valine.
Molecular consequence: missense variant.
Genome position (GRCh38, 1-based): chr12:121,810,659, A>G. VCF-style: chr12-121810659-A-G. GRCh37 (hg19) VCF-style: chr12-122248565-A-G.
Other names: short protein forms I572V.
Identifiers: ClinVar variation 5005050 (VCV005005050.2).
Genomic context (GRCh38, chr12:121,810,659, plus strand): 5'-CCAGGCTTCCGGGGCCCCACGCCCCCCTCGTCACGCCCCTCCAGCACCGGCCTGGAGGAT[A>G]TCAGCCCAACACCCCTCCCAGACTCCGACGAGGACGAGGAGCTCGACCTGGGCCTTGGGC-3'
Protein context (NP_001340274.1, residues 562-582): SRPSSTGLED[Ile572Val]SPTPLPDSDE